The following is an entry in ClinVar:

ClinVar aggregate classification (germline): Uncertain significance (1 of 4 stars; one submission).

Conditions:
Inborn genetic diseases. Identifiers: MedGen C0950123, MeSH D030342.

Allele frequency attached by ClinVar (database versions not stated): TOPMed below 0.00001; gnomAD 0.00001.
gnomAD v4.1: 1 of 1,609,274 alleles (0.000062%); highest among the groups gnomAD compares: Non-Finnish European, 0.000085%; no homozygotes.

Submission:

Ambry Genetics
Classification: Uncertain significance for Inborn genetic diseases. Last evaluated: 2022-04-09. Review status: criteria provided, single submitter. Criteria: Ambry Variant Classification Scheme 2023. Collection method: clinical testing. Allele origin: germline.
Comment: The p.D584V variant (also known as c.1751A>T), located in coding exon 8 of the ATR gene, results from an A to T substitution at nucleotide position 1751. The aspartic acid at codon 584 is replaced by valine, an amino acid with highly dissimilar properties. This amino acid position is conserved. In addition, the in silico prediction for this alteration is inconclusive. Since supporting evidence is limited at this time, the clinical significance of this alteration remains unclear.

NM_001184.4(ATR):c.1751A>T (p.Asp584Val)

Gene: ATR (ATR checkpoint kinase; minus strand). Cytogenetic location: 3q23.
Variant type: single nucleotide variant.
Coding change: c.1751A>T on transcript NM_001184.4 (MANE Select); coding-DNA position 1751, A replaced by T.
Protein change: p.Asp584Val; replaces aspartic acid 584 with valine.
Molecular consequence: missense variant.
Genome position (GRCh38, 1-based): chr3:142,558,758, T>A on the plus strand (A>T on the coding strand, the complement: ATR is on the minus strand). VCF-style: chr3-142558758-T-A. GRCh37 (hg19) VCF-style: chr3-142277600-T-A.
Other names: c.1559A>T, p.Asp520Val (NM_001354579.2); short protein forms D584V, D520V.
Identifiers: ClinVar variation 1779400 (VCV001779400.2), dbSNP rs1291289916, ClinGen allele CA354821455.
Genomic context (GRCh38, chr3:142,558,758, plus strand): 5'-TCAGAATGGGAATAAATCCATGGAAGTGAGAGCATACCACATAAATCTTCCAGGATATGA[T>A]CTTCAAATGAACTGTTTACTACAGAAGCACAAAATAAGTCATTAATTATAACTTTTCCTT-3'
Protein context (NP_001175.2, residues 574-594): IYMQVNSSFE[Asp584Val]HILEDLCGML